The following is an entry in ClinVar:

ClinVar aggregate classification (germline): Uncertain significance (1 of 4 stars; one submission).

Submission:

Ambry Genetics
Classification: Uncertain significance. Last evaluated: 2025-01-17. Review status: criteria provided, single submitter. Criteria: Ambry Variant Classification Scheme 2023. Collection method: clinical testing. Allele origin: germline.
Comment: The p.P553S variant (also known as c.1657C>T), located in coding exon 2 of the CDK12 gene, results from a C to T substitution at nucleotide position 1657. The proline at codon 553 is replaced by serine, an amino acid with similar properties. This amino acid position is conserved. In addition, the in silico prediction for this alteration is inconclusive. Based on the available evidence, the clinical significance of this variant remains unclear.

NM_016507.4(CDK12):c.1657C>T (p.Pro553Ser)

Gene: CDK12 (cyclin dependent kinase 12; plus strand). Cytogenetic location: 17q12.
Variant type: single nucleotide variant.
Coding change: c.1657C>T on transcript NM_016507.4 (MANE Select); coding-DNA position 1657, C replaced by T.
Protein change: p.Pro553Ser; replaces proline 553 with serine.
Molecular consequence: missense variant.
Genome position (GRCh38, 1-based): chr17:39,471,489, C>T. VCF-style: chr17-39471489-C-T. GRCh37 (hg19) VCF-style: chr17-37627742-C-T.
Other names: c.1657C>T, p.Pro553Ser (NM_015083.4); short protein forms P553S.
Identifiers: ClinVar variation 3830520 (VCV003830520.1).
Genomic context (GRCh38, chr17:39,471,489, plus strand): 5'-GCTTCTCCCCCACCCCCTCTACCAACTACTACCCCTCCACCTCAGACACCCCCTTTGCCA[C>T]CTTTGCCTCCAATACCAGCTCTTCCACAGCAACCACCTCTGCCTCCTTCTCAGCCAGCAT-3'
Protein context (NP_057591.2, residues 543-563): TPPPQTPPLP[Pro553Ser]LPPIPALPQQ